The following is an entry in ClinVar:

NM_001854.4(COL11A1):c.3613C>G (p.Pro1205Ala)

Gene: COL11A1 (collagen type XI alpha 1 chain; minus strand). Cytogenetic location: 1p21.1.
Variant type: single nucleotide variant.
Coding change: c.3613C>G on transcript NM_001854.4 (MANE Select); coding-DNA position 3613, C replaced by G.
Protein change: p.Pro1205Ala; replaces proline 1205 with alanine.
Molecular consequence: missense variant. On other transcripts: non-coding transcript variant (1).
Genome position (GRCh38, 1-based): chr1:102,923,377, G>C on the plus strand (C>G on the coding strand, the complement: COL11A1 is on the minus strand). VCF-style: chr1-102923377-G-C. GRCh37 (hg19) VCF-style: chr1-103388933-G-C.
Other names: c.3265C>G, p.Pro1089Ala (NM_001168249.1, NM_080630.4); c.3496C>G, p.Pro1166Ala (NM_001190709.2); c.3649C>G, p.Pro1217Ala (NM_080629.3); short protein forms P1089A, P1217A, P1166A, P1205A.
Identifiers: ClinVar variation 2805406 (VCV002805406.3), dbSNP rs2524570461, ClinGen allele CA341164644.

ClinVar aggregate classification (germline): Uncertain significance (1 of 4 stars; one submission).

Submission:

Labcorp Genetics (formerly Invitae), Labcorp
Classification: Uncertain significance. Last evaluated: 2022-12-24. Review status: criteria provided, single submitter. Criteria: Invitae Variant Classification Sherloc (09022015). Collection method: clinical testing. Allele origin: germline.
Comment: This variant has not been reported in the literature in individuals affected with COL11A1-related conditions. This variant is not present in population databases (gnomAD no frequency). This sequence change replaces proline, which is neutral and non-polar, with alanine, which is neutral and non-polar, at codon 1205 of the COL11A1 protein (p.Pro1205Ala). Advanced modeling of protein sequence and biophysical properties (such as structural, functional, and spatial information, amino acid conservation, physicochemical variation, residue mobility, and thermodynamic stability) performed at Invitae indicates that this missense variant is not expected to disrupt COL11A1 protein function. In summary, the available evidence is currently insufficient to determine the role of this variant in disease. Therefore, it has been classified as a Variant of Uncertain Significance.